The following is an entry in ClinVar:

NM_016373.4(WWOX):c.566G>A (p.Ser189Asn)

Gene: WWOX (WW domain containing oxidoreductase; plus strand). Cytogenetic location: 16q23.1.
Variant type: single nucleotide variant.
Coding change: c.566G>A on transcript NM_016373.4 (MANE Select); coding-DNA position 566, G replaced by A.
Protein change: p.Ser189Asn; replaces serine 189 with asparagine.
Molecular consequence: missense variant.
Genome position (GRCh38, 1-based): chr16:78,386,909, G>A. VCF-style: chr16-78386909-G-A. GRCh37 (hg19) VCF-style: chr16-78420806-G-A.
Other names: c.227G>A, p.Ser76Asn (NM_001291997.2); short protein forms S189N, S76N.
Identifiers: ClinVar variation 452609 (VCV000452609.7), dbSNP rs776354746, ClinGen allele CA8183337.

ClinVar aggregate classification (germline): Uncertain significance. Review status: criteria provided, multiple submitters, no conflicts (2 of 4 stars). 4 submissions from 4 submitters: Uncertain significance (4). Last evaluated 2025-01-21.

Conditions:
Developmental and epileptic encephalopathy, 1 (DEE1). Also called: Epileptic encephalopathy, early infantile, 1; X-linked infantile spasms; West's syndrome; Tonic spasms with clustering, arrest of psychomotor development and hypsarrhythmia on EEG; X-Linked Infantile Spasm Syndrome; INFANTILE SPASM SYNDROME, X-LINKED 1. Identifiers: MedGen C3463992, MONDO:0010632, OMIM 308350. Disease mechanism: loss of function.
Autosomal recessive spinocerebellar ataxia 12. Also called: SPINOCEREBELLAR ATAXIA WITH MENTAL RETARDATION AND EPILEPSY. Identifiers: Orphanet 284282, MedGen C3280452, MONDO:0013687, OMIM 614322.
Inborn genetic diseases. Identifiers: MedGen C0950123, MeSH D030342.

Allele frequency attached by ClinVar (database versions not stated): gnomAD 0.00001; TOPMed 0.00001; ExAC 0.00002.
gnomAD v4.1: 10 of 1,613,970 alleles (0.00062%); highest among the groups gnomAD compares: Middle Eastern, 0.016%; no homozygotes.

Submissions (4):

Ambry Genetics
Classification: Uncertain significance for Inborn genetic diseases. Last evaluated: 2025-01-21. Review status: criteria provided, single submitter. Criteria: Ambry Variant Classification Scheme 2023. Collection method: clinical testing. Allele origin: germline.

Blueprint Genetics
Classification: Uncertain significance. Last evaluated: 2024-06-17. Review status: criteria provided, single submitter. Criteria: ACMG Guidelines, 2015. Collection method: clinical testing. Allele origin: germline.

Labcorp Genetics (formerly Invitae), Labcorp
Classification: Uncertain significance for Developmental and epileptic encephalopathy, 1; Autosomal recessive spinocerebellar ataxia 12. Last evaluated: 2022-02-20. Review status: criteria provided, single submitter. Criteria: Invitae Variant Classification Sherloc (09022015). Collection method: clinical testing. Allele origin: germline.
Comment: This sequence change replaces serine, which is neutral and polar, with asparagine, which is neutral and polar, at codon 189 of the WWOX protein (p.Ser189Asn). This variant is present in population databases (rs776354746, gnomAD 0.01%). This variant has not been reported in the literature in individuals affected with WWOX-related conditions. ClinVar contains an entry for this variant (Variation ID: 452609). Algorithms developed to predict the effect of missense changes on protein structure and function are either unavailable or do not agree on the potential impact of this missense change (SIFT: "Not Available"; PolyPhen-2: "Probably Damaging"; Align-GVGD: "Not Available"). In summary, the available evidence is currently insufficient to determine the role of this variant in disease. Therefore, it has been classified as a Variant of Uncertain Significance.

GeneDx
Classification: Uncertain significance. Last evaluated: 2017-10-09. Review status: criteria provided, single submitter. Criteria: GeneDx Variant Classification (06012015). Collection method: clinical testing. Allele origin: germline. Affected: yes.
Comment: A variant of uncertain significance has been identified in the WWOX gene. The S189N variant hasnot been published as a pathogenic variant, nor has it been reported as a benign variant to our knowledge. The S189N variant is observed in 4/30778 (0.01%) alleles from individuals of South Asian background (Lek et al., 2016). The S189N variant is a conservative amino acid substitution, which is not likely to impact secondary protein structure as these residues share similar properties. However, this substitution occurs at a position that is conserved across species, and in silico analysis predicts thisvariant is probably damaging to the protein structure/function. Therefore, based on the currentlyavailable information, it is unclear whether this variant is a pathogenic variant or a rare benign variant.